The following is an entry in ClinVar:

NM_016373.4(WWOX):c.1084T>C (p.Cys362Arg)

Genes: MAF (MAF bZIP transcription factor; minus strand), WWOX (WW domain containing oxidoreductase; plus strand). Cytogenetic location: 16q23.2.
Variant type: single nucleotide variant.
Coding change: c.1084T>C on transcript NM_016373.4 (MANE Select); coding-DNA position 1084, T replaced by C.
Protein change: p.Cys362Arg; replaces cysteine 362 with arginine.
Molecular consequence: missense variant.
Genome position (GRCh38, 1-based): chr16:79,211,635, T>C. VCF-style: chr16-79211635-T-C. GRCh37 (hg19) VCF-style: chr16-79245532-T-C.
Other names: c.745T>C, p.Cys249Arg (NM_001291997.2); short protein forms C362R, C249R.
Identifiers: ClinVar variation 1047640 (VCV001047640.7), dbSNP rs2051754918, ClinGen allele CA396536991.

ClinVar aggregate classification (germline): Uncertain significance (1 of 4 stars; one submission).

Conditions:
Developmental and epileptic encephalopathy, 1 (DEE1). Also called: Epileptic encephalopathy, early infantile, 1; INFANTILE SPASM SYNDROME, X-LINKED 1; X-linked infantile spasms; West's syndrome; Tonic spasms with clustering, arrest of psychomotor development and hypsarrhythmia on EEG; X-Linked Infantile Spasm Syndrome. Identifiers: MedGen C3463992, MONDO:0010632, OMIM 308350. Disease mechanism: loss of function.
Autosomal recessive spinocerebellar ataxia 12. Also called: SPINOCEREBELLAR ATAXIA WITH MENTAL RETARDATION AND EPILEPSY. Identifiers: Orphanet 284282, MedGen C3280452, MONDO:0013687, OMIM 614322.

Submission:

Labcorp Genetics (formerly Invitae), Labcorp
Classification: Uncertain significance for Developmental and epileptic encephalopathy, 1; Autosomal recessive spinocerebellar ataxia 12. Last evaluated: 2020-07-21. Review status: criteria provided, single submitter. Criteria: Invitae Variant Classification Sherloc (09022015). Collection method: clinical testing. Allele origin: germline.
Comment: In summary, the available evidence is currently insufficient to determine the role of this variant in disease. Therefore, it has been classified as a Variant of Uncertain Significance. Algorithms developed to predict the effect of missense changes on protein structure and function are either unavailable or do not agree on the potential impact of this missense change (SIFT: "Not Available"; PolyPhen-2: "Possibly Damaging"; Align-GVGD: "Not Available"). This variant has not been reported in the literature in individuals with WWOX-related conditions. This variant is not present in population databases (ExAC no frequency). This sequence change replaces cysteine with arginine at codon 362 of the WWOX protein (p.Cys362Arg). The cysteine residue is moderately conserved and there is a large physicochemical difference between cysteine and arginine.